The following is an entry in ClinVar:

NM_015599.3(PGM3):c.-2-233T>G

Gene: PGM3 (phosphoglucomutase 3; minus strand). Cytogenetic location: 6q14.1.
Variant type: single nucleotide variant.
Coding change: c.-2-233T>G on transcript NM_015599.3 (MANE Select); 233 bases into the intron before 2 bases upstream of the start codon, T replaced by G.
Molecular consequence: intron variant. On other transcripts: missense variant (2).
Genome position (GRCh38, 1-based): chr6:83,191,247, A>C on the plus strand (T>G on the coding strand, the complement: PGM3 is on the minus strand). VCF-style: chr6-83191247-A-C. GRCh37 (hg19) VCF-style: chr6-83900966-A-C.
Other names: c.22T>G, p.Ser8Ala (NM_001199917.2, NM_001367287.1); c.-40+1932T>G (NM_001199918.2); c.-2-233T>G (NM_001367286.1, NM_001199919.2); short protein forms S8A.
Identifiers: ClinVar variation 1713978 (VCV001713978.3), dbSNP rs1343116473, ClinGen allele CA364854714.
Genomic context (GRCh38, chr6:83,191,247, plus strand): 5'-CTACAAGATGTTGTCCAACTTGGTATGTCCACTCCTGGGCAGACTCAGGGCAGATAGCAG[A>C]TTGTCCCCACTCTCCTCCCATTTTAGCTCCAGGACTATCCTGGACGCCGGGCACACTTAA-3'

ClinVar aggregate classification (germline): Uncertain significance (1 of 4 stars; one submission).

Conditions:
Immunodeficiency 23 (IMD23). Also called: IMMUNODEFICIENCY-VASCULITIS-MYOCLONUS SYNDROME; IMMUNODEFICIENCY WITH HYPER IgE AND COGNITIVE IMPAIRMENT. Identifiers: Orphanet 443811, MedGen C4014371, MONDO:0014353, OMIM 615816.

Submission:

Labcorp Genetics (formerly Invitae), Labcorp
Classification: Uncertain significance for Immunodeficiency 23. Last evaluated: 2022-07-27. Review status: criteria provided, single submitter. Criteria: Invitae Variant Classification Sherloc (09022015). Collection method: clinical testing. Allele origin: germline.
Comment: This sequence change replaces serine, which is neutral and polar, with alanine, which is neutral and non-polar, at codon 8 of the PGM3 protein (p.Ser8Ala). This variant is not present in population databases (gnomAD no frequency). This variant has not been reported in the literature in individuals affected with PGM3-related conditions. Algorithms developed to predict the effect of missense changes on protein structure and function output the following: SIFT: "Deleterious"; PolyPhen-2: "Benign"; Align-GVGD: "Class C0". The alanine amino acid residue is found in multiple mammalian species, which suggests that this missense change does not adversely affect protein function. In summary, the available evidence is currently insufficient to determine the role of this variant in disease. Therefore, it has been classified as a Variant of Uncertain Significance.